The following is an entry in ClinVar:

ClinVar aggregate classification (germline): Likely benign. Review status: criteria provided, multiple submitters, no conflicts (2 of 4 stars). 4 submissions from 4 submitters: Likely benign (3). 1 of the submissions does not count toward it. Last evaluated 2024-10-22.

Conditions:
TARS2-related disorder. Also called: TARS2-related condition.

Allele frequency attached by ClinVar (database versions not stated): ExAC 0.00005; gnomAD exomes 0.00005 and 0.00006; gnomAD 0.00011; ESP Exome Variant Server 0.00015; TOPMed 0.00023.
gnomAD v4.1: 118 of 1,614,144 alleles (0.0073%); highest among the groups gnomAD compares: Middle Eastern, 0.033%; no homozygotes.

Submissions (4):

Blueprint Genetics
Classification: Likely benign. Last evaluated: 2024-10-22. Review status: criteria provided, single submitter. Criteria: ACMG Guidelines, 2015. Collection method: clinical testing. Allele origin: germline.

Labcorp Genetics (formerly Invitae), Labcorp
Classification: Likely benign. Last evaluated: 2024-08-06. Review status: criteria provided, single submitter. Criteria: Invitae Variant Classification Sherloc (09022015). Collection method: clinical testing. Allele origin: germline.

GeneDx
Classification: Likely benign. Last evaluated: 2018-02-07. Review status: criteria provided, single submitter. Criteria: GeneDx Variant Classification (06012015). Collection method: clinical testing. Allele origin: germline. Affected: yes.
Comment: This variant is considered likely benign or benign based on one or more of the following criteria: it is a conservative change, it occurs at a poorly conserved position in the protein, it is predicted to be benign by multiple in silico algorithms, and/or has population frequency not consistent with disease.

PreventionGenetics, part of Exact Sciences
Classification: Likely benign for TARS2-related condition. Last evaluated: 2020-03-13. Review status: no assertion criteria provided. Collection method: clinical testing. Allele origin: germline. Not counted in ClinVar's aggregate classification.
Comment: This variant is classified as likely benign based on ACMG/AMP sequence variant interpretation guidelines (Richards et al. 2015 PMID: 25741868, with internal and published modifications).

NM_025150.5(TARS2):c.366C>T (p.Phe122=)

Gene: TARS2 (threonyl-tRNA synthetase 2, mitochondrial; plus strand). Cytogenetic location: 1q21.2.
Variant type: single nucleotide variant.
Coding change: c.366C>T on transcript NM_025150.5 (MANE Select); coding-DNA position 366, C replaced by T.
Protein change: p.Phe122=; no amino-acid change (phenylalanine 122 retained).
Molecular consequence: synonymous variant. On other transcripts: non-coding transcript variant (1).
Genome position (GRCh38, 1-based): chr1:150,489,066, C>T. VCF-style: chr1-150489066-C-T. GRCh37 (hg19) VCF-style: chr1-150461542-C-T.
Other names: c.366C>T, p.Phe122= (NM_001271895.2, NM_001271896.2).
Identifiers: ClinVar variation 389371 (VCV000389371.8), dbSNP rs376600610, ClinGen allele CA1076635.